The following is an entry in ClinVar:

ClinVar aggregate classification (germline): Pathogenic (1 of 4 stars; one submission).

Submission:

Labcorp Genetics (formerly Invitae), Labcorp
Classification: Pathogenic. Last evaluated: 2023-04-20. Review status: criteria provided, single submitter. Criteria: Invitae Variant Classification Sherloc (09022015). Collection method: clinical testing. Allele origin: germline.
Comment: This sequence change creates a premature translational stop signal (p.Val1751*) in the CCDC88C gene. While this is not anticipated to result in nonsense mediated decay, it is expected to disrupt the last 278 amino acid(s) of the CCDC88C protein. For these reasons, this variant has been classified as Pathogenic. This variant disrupts a region of the CCDC88C protein in which other variant(s) (p.Glu1949Glyfs*26) have been determined to be pathogenic (PMID: 23042809). This suggests that this is a clinically significant region of the protein, and that variants that disrupt it are likely to be disease-causing. This variant has not been reported in the literature in individuals affected with CCDC88C-related conditions. This variant is not present in population databases (gnomAD no frequency).

Literature cited by the submitters: PubMed 23042809.

NM_001080414.4(CCDC88C):c.5251del (p.Tyr1750_Val1751insTer)

Gene: CCDC88C (coiled-coil and HOOK domain protein 88C; minus strand). Cytogenetic location: 14q32.11.
Variant type: Deletion.
Coding change: c.5251del on transcript NM_001080414.4 (MANE Select); coding-DNA position 5251, one base deleted (G; older notation c.5251delG).
Protein change: p.Tyr1750_Val1751insTer.
Molecular consequence: nonsense.
Genome position (GRCh38, 1-based): chr14:91,273,461, C deleted on the plus strand (G on the coding strand, the reverse complement: CCDC88C is on the minus strand). VCF-style (leftmost placement, unchanged base first): chr14-91273460-AC-A. GRCh37 (hg19) VCF-style: chr14-91739804-AC-A.
Identifiers: ClinVar variation 2857767 (VCV002857767.3), dbSNP rs2544240888, ClinGen allele CA2739278572.